The following is an entry in ClinVar:

NM_022114.4(PRDM16):c.75C>T (p.Asn25=)

Gene: PRDM16 (PR/SET domain 16; plus strand). Cytogenetic location: 1p36.32.
Variant type: single nucleotide variant.
Coding change: c.75C>T on transcript NM_022114.4 (MANE Select); coding-DNA position 75, C replaced by T.
Protein change: p.Asn25=; no amino-acid change (asparagine 25 retained).
Molecular consequence: synonymous variant.
Genome position (GRCh38, 1-based): chr1:3,186,162, C>T. VCF-style: chr1-3186162-C-T. GRCh37 (hg19) VCF-style: chr1-3102726-C-T.
Other names: c.75C>T, p.Asn25= (NM_199454.3).
Identifiers: ClinVar variation 1199894 (VCV001199894.9), dbSNP rs759261262, ClinGen allele CA543690.
Genomic context (GRCh38, chr1:3,186,162, plus strand): 5'-TGACGCTGCGTTGTCTCCTTTAGGTGACGGTGACGTTGTAAATAATATGTATGAGCCCAA[C>T]CGGGACCTGCTGGCCAGCCACAGCGCGGAGGACGAGGCCGAGGACAGTGCCATGTCGCCC-3'
Protein context (NP_071397.3, residues 15-35): GDVVNNMYEP[Asn25=]RDLLASHSAE

ClinVar aggregate classification (germline): Likely benign. Review status: criteria provided, multiple submitters, no conflicts (2 of 4 stars). 3 submissions from 3 submitters: Likely benign (3). Last evaluated 2026-02-04.

Conditions:
Left ventricular noncompaction 8 (LVNC8). Identifiers: Orphanet 154, Orphanet 54260, MedGen C3809288, MONDO:0014152, OMIM 615373.

Allele frequency attached by ClinVar (database versions not stated): TOPMed 0.00003; ExAC 0.00004; gnomAD exomes 0.00004 and 0.00012; gnomAD 0.00006.
gnomAD v4.1: 178 of 1,612,712 alleles (0.011%); highest among the groups gnomAD compares: Non-Finnish European, 0.014%; no homozygotes.

Submissions (3):

Labcorp Genetics (formerly Invitae), Labcorp
Classification: Likely benign for Left ventricular noncompaction 8. Last evaluated: 2026-02-04. Review status: criteria provided, single submitter. Criteria: Invitae Variant Classification Sherloc (09022015). Collection method: clinical testing. Allele origin: germline.

Blueprint Genetics
Classification: Likely benign. Last evaluated: 2023-05-25. Review status: criteria provided, single submitter. Criteria: ACMG Guidelines, 2015. Collection method: clinical testing. Allele origin: germline.

GeneDx
Classification: Likely benign. Last evaluated: 2021-01-18. Review status: criteria provided, single submitter. Criteria: GeneDx Variant Classification Process June 2021. Collection method: clinical testing. Allele origin: germline. Affected: yes.
Comment: Has not been previously published as pathogenic or benign to our knowledge